The following is an entry in ClinVar:

NM_000138.5(FBN1):c.989-18G>A

Gene: FBN1 (fibrillin 1; minus strand). Cytogenetic location: 15q21.1.
Variant type: single nucleotide variant.
Coding change: c.989-18G>A on transcript NM_000138.5 (MANE Select); 18 bases into the intron before coding-DNA position 989, G replaced by A.
Molecular consequence: intron variant.
Genome position (GRCh38, 1-based): chr15:48,520,835, C>T on the plus strand (G>A on the coding strand, the complement: FBN1 is on the minus strand). VCF-style: chr15-48520835-C-T. GRCh37 (hg19) VCF-style: chr15-48813032-C-T.
Identifiers: ClinVar variation 511661 (VCV000511661.5), dbSNP rs759275834, ClinGen allele CA060526.

ClinVar aggregate classification (germline): Likely benign. Review status: criteria provided, multiple submitters, no conflicts (2 of 4 stars). 2 submissions from 2 submitters: Likely benign (2). Last evaluated 2025-10-21.

Conditions:
Familial thoracic aortic aneurysm and aortic dissection (TAAD). Also called: Thoracic aortic aneurysms and dissections. Identifiers: Orphanet 91387, MedGen C4707243, MONDO:0019625.
Marfan syndrome (MFS). Also called: Marfan syndrome type 1; Marfan syndrome, classic; Marfan's syndrome; FBN1-Related Marfan Syndrome; MARFAN SYNDROME, TYPE I. Identifiers: Orphanet 284963, Orphanet 558, MedGen C0024796, MONDO:0007947, OMIM 154700.

Allele frequency attached by ClinVar (database versions not stated): gnomAD 0.00001; TOPMed 0.00001; ExAC 0.00002; gnomAD exomes 0.00001.
gnomAD v4.1: 14 of 1,613,956 alleles (0.00087%); highest among the groups gnomAD compares: Non-Finnish European, 0.0011%; no homozygotes.

Submissions (2):

Labcorp Genetics (formerly Invitae), Labcorp
Classification: Likely benign for Marfan syndrome; Familial thoracic aortic aneurysm and aortic dissection. Last evaluated: 2025-10-21. Review status: criteria provided, single submitter. Criteria: Invitae Variant Classification Sherloc (09022015). Collection method: clinical testing. Allele origin: germline.

GeneDx
Classification: Likely benign. Last evaluated: 2017-08-28. Review status: criteria provided, single submitter. Criteria: GeneDx Variant Classification (06012015). Collection method: clinical testing. Allele origin: germline. Affected: yes.
Comment: This variant is considered likely benign or benign based on one or more of the following criteria: it is a conservative change, it occurs at a poorly conserved position in the protein, it is predicted to be benign by multiple in silico algorithms, and/or has population frequency not consistent with disease.